The following is an entry in ClinVar:

NM_006904.7(PRKDC):c.1473T>G (p.Cys491Trp)

Gene: PRKDC (protein kinase, DNA-activated, catalytic subunit; minus strand). Cytogenetic location: 8q11.21.
Variant type: single nucleotide variant.
Coding change: c.1473T>G on transcript NM_006904.7 (MANE Select); coding-DNA position 1473, T replaced by G.
Protein change: p.Cys491Trp; replaces cysteine 491 with tryptophan.
Molecular consequence: missense variant.
Genome position (GRCh38, 1-based): chr8:47,935,033, A>C on the plus strand (T>G on the coding strand, the complement: PRKDC is on the minus strand). VCF-style: chr8-47935033-A-C. GRCh37 (hg19) VCF-style: chr8-48847593-A-C.
Other names: c.1473T>G, p.Cys491Trp (NM_001081640.2); short protein forms C491W.
Identifiers: ClinVar variation 1773422 (VCV001773422.2), dbSNP rs1281201690, ClinGen allele CA371165585.

ClinVar aggregate classification (germline): Uncertain significance (1 of 4 stars; one submission).

Allele frequency attached by ClinVar (database versions not stated): TOPMed below 0.00001; gnomAD 0.00001.
gnomAD v4.1: 1 of 1,526,486 alleles (0.000066%); highest among the groups gnomAD compares: Non-Finnish European, 0.000089%; no homozygotes.

Submission:

Ambry Genetics
Classification: Uncertain significance. Last evaluated: 2021-07-18. Review status: criteria provided, single submitter. Criteria: Ambry Variant Classification Scheme 2023. Collection method: clinical testing. Allele origin: germline.
Comment: The p.C491W variant (also known as c.1473T>G), located in coding exon 14 of the PRKDC gene, results from a T to G substitution at nucleotide position 1473. The cysteine at codon 491 is replaced by tryptophan, an amino acid with highly dissimilar properties. This amino acid position is conserved. In addition, the in silico prediction for this alteration is inconclusive. Since supporting evidence is limited at this time, the clinical significance of this alteration remains unclear.